The following is an entry in ClinVar:

NM_001042492.3(NF1):c.2251+6T>A

Gene: NF1 (neurofibromin 1; plus strand). Cytogenetic location: 17q11.2.
Variant type: single nucleotide variant.
Coding change: c.2251+6T>A on transcript NM_001042492.3 (MANE Select); 6 bases into the intron after coding-DNA position 2251, T replaced by A.
Molecular consequence: intron variant.
Genome position (GRCh38, 1-based): chr17:31,226,690, T>A. VCF-style: chr17-31226690-T-A. GRCh37 (hg19) VCF-style: chr17-29553708-T-A.
Other names: c.2251+6T>A (NM_000267.4).
Identifiers: ClinVar variation 1045508 (VCV001045508.5), dbSNP rs2067021412, ClinGen allele CA2255561247.
Genomic context (GRCh38, chr17:31,226,690, plus strand): 5'-CCCAACTATAACACATTCATGGAGTTTGCCTCTGTCAGCAATATGATGTCAACAGGTAAA[T>A]GTGAATAGTGGTTTTTTTTACTCAGTCTGCCTCAAAGCACATGGCATCTGATTTTGAGAA-3'

ClinVar aggregate classification (germline): Uncertain significance (1 of 4 stars; one submission).

Conditions:
Neurofibromatosis, type 1 (NF1). Also called: VON RECKLINGHAUSEN DISEASE; NEUROFIBROMATOSIS, TYPE I, SOMATIC; Peripheral type neurofibromatosis; Neurofibromatosis, type I. Identifiers: Orphanet 636, MedGen C0027831, MONDO:0018975, OMIM 162200. Disease mechanism: loss of function.

Submission:

Labcorp Genetics (formerly Invitae), Labcorp
Classification: Uncertain significance for Neurofibromatosis, type 1. Last evaluated: 2024-10-15. Review status: criteria provided, single submitter. Criteria: Invitae Variant Classification Sherloc (09022015). Collection method: clinical testing. Allele origin: germline.
Comment: This sequence change falls in intron 18 of the NF1 gene. It does not directly change the encoded amino acid sequence of the NF1 protein. It affects a nucleotide within the consensus splice site. This variant is not present in population databases (gnomAD no frequency). This variant has not been reported in the literature in individuals affected with NF1-related conditions. ClinVar contains an entry for this variant (Variation ID: 1045508). Variants that disrupt the consensus splice site are a relatively common cause of aberrant splicing (PMID: 17576681, 9536098). Algorithms developed to predict the effect of sequence changes on RNA splicing suggest that this variant is not likely to affect RNA splicing. In summary, the available evidence is currently insufficient to determine the role of this variant in disease. Therefore, it has been classified as a Variant of Uncertain Significance.

Literature cited by the submitters: PubMed 17576681; PubMed 9536098.